The following is an entry in ClinVar:

ClinVar aggregate classification (germline): Likely pathogenic (1 of 4 stars; one submission).

Conditions:
Developmental and epileptic encephalopathy. Identifiers: MedGen C5779964, MONDO:0100620.

Allele frequency attached by ClinVar (database versions not stated): gnomAD exomes below 0.00001.
gnomAD v4.1: 1 of 1,212,127 alleles (0.000082%); highest among the groups gnomAD compares: Admixed American, 0.0022%; no homozygotes.

Submission:

Unidad de Genómica Garrahan, Hospital de Pediatría Garrahan
Classification: Likely pathogenic for Developmental and epileptic encephalopathy. Last evaluated: 2024-01-01. Review status: criteria provided, single submitter. Criteria: ACMG Guidelines, 2015. Collection method: clinical testing. Allele origin: paternal. Affected: yes. Observed: 1 variant allele.
Comment: Heterozygous. ACMG/AMP criteria applied: PM1_moderate, PM2_moderate, PP2_supporting, PP3_supporting.

NM_001184880.2(PCDH19):c.1151T>G (p.Val384Gly)

Gene: PCDH19 (protocadherin 19; minus strand). Cytogenetic location: Xq22.1.
Variant type: single nucleotide variant.
Coding change: c.1151T>G on transcript NM_001184880.2 (MANE Select); coding-DNA position 1151, T replaced by G.
Protein change: p.Val384Gly; replaces valine 384 with glycine.
Molecular consequence: missense variant.
Genome position (GRCh38, 1-based): chrX:100,407,447, A>C on the plus strand (T>G on the coding strand, the complement: PCDH19 is on the minus strand). VCF-style: chrX-100407447-A-C. GRCh37 (hg19) VCF-style: chrX-99662445-A-C.
Other names: NP_001171809.1:p.(Val384Gly); c.1151T>G, p.Val384Gly (NM_001105243.2, NM_020766.3); short protein forms V384G.
Identifiers: ClinVar variation 1705840 (VCV001705840.3), dbSNP rs2520985275, ClinGen allele CA414003962.